The following is an entry in ClinVar:

NM_001353921.2(ARHGEF9):c.281A>G (p.Asn94Ser)

Gene: ARHGEF9 (Cdc42 guanine nucleotide exchange factor 9; minus strand). Cytogenetic location: Xq11.1.
Variant type: single nucleotide variant.
Coding change: c.281A>G on transcript NM_001353921.2 (MANE Select); coding-DNA position 281, A replaced by G.
Protein change: p.Asn94Ser; replaces asparagine 94 with serine.
Molecular consequence: missense variant. On other transcripts: 5 prime UTR variant (3).
Genome position (GRCh38, 1-based): chrX:63,706,379, T>C on the plus strand (A>G on the coding strand, the complement: ARHGEF9 is on the minus strand). VCF-style: chrX-63706379-T-C. GRCh37 (hg19) VCF-style: chrX-62926259-T-C.
Other names: c.197A>G, p.Asn66Ser (NM_001369038.1, NM_001369041.1, NM_001369043.1 and 8 more transcripts); c.80A>G, p.Asn27Ser (NM_001369039.1, NM_001369040.1, NM_001353924.2 and 1 more transcripts); c.-47A>G (NM_001369042.1, NM_001173480.2); c.-423A>G (NM_001369045.1); c.260A>G, p.Asn87Ser (NM_015185.3, NM_001353928.2, NM_001369030.1 and 2 more transcripts); c.101A>G, p.Asn34Ser (NM_001173479.2); c.281A>G, p.Asn94Ser (NM_001353922.2); c.299A>G, p.Asn100Ser (NM_001353923.1); short protein forms N87S, N94S, N34S, N66S, N100S, N27S.
Identifiers: ClinVar variation 287121 (VCV000287121.14), dbSNP rs886044863, ClinGen allele CA10605672.

ClinVar aggregate classification (germline): Uncertain significance. Review status: criteria provided, multiple submitters, no conflicts (2 of 4 stars). 2 submissions from 2 submitters: Uncertain significance (2). Last evaluated 2022-03-19.

Conditions:
Developmental and epileptic encephalopathy, 8 (DEE8). Also called: HYPEREKPLEXIA AND EPILEPSY. Identifiers: Orphanet 163985, Orphanet 2076, MedGen C1845102, MONDO:0010375, OMIM 300607.

Allele frequency attached by ClinVar (database versions not stated): TOPMed 0.00001.

Submissions (2):

Labcorp Genetics (formerly Invitae), Labcorp
Classification: Uncertain significance for Developmental and epileptic encephalopathy, 8. Last evaluated: 2022-03-19. Review status: criteria provided, single submitter. Criteria: Invitae Variant Classification Sherloc (09022015). Collection method: clinical testing. Allele origin: germline.
Comment: Algorithms developed to predict the effect of sequence changes on RNA splicing suggest that this variant may create or strengthen a splice site. This sequence change replaces asparagine, which is neutral and polar, with serine, which is neutral and polar, at codon 87 of the ARHGEF9 protein (p.Asn87Ser). This variant is not present in population databases (gnomAD no frequency). This variant has not been reported in the literature in individuals affected with ARHGEF9-related conditions. ClinVar contains an entry for this variant (Variation ID: 287121). Algorithms developed to predict the effect of missense changes on protein structure and function (SIFT, PolyPhen-2, Align-GVGD) all suggest that this variant is likely to be tolerated. In summary, the available evidence is currently insufficient to determine the role of this variant in disease. Therefore, it has been classified as a Variant of Uncertain Significance.

Eurofins Ntd Llc (ga)
Classification: Uncertain significance. Last evaluated: 2016-05-10. Review status: criteria provided, single submitter. Criteria: EGL Classification Definitions 2015. Collection method: clinical testing. Allele origin: germline. Observed: 1 variant allele, 1 heterozygote.